The following is an entry in ClinVar:

ClinVar aggregate classification (germline): Uncertain significance (1 of 4 stars; one submission).

Submission:

GeneDx
Classification: Uncertain significance. Last evaluated: 2022-11-14. Review status: criteria provided, single submitter. Criteria: GeneDx Variant Classification Process June 2021. Collection method: clinical testing. Allele origin: germline. Affected: yes.
Comment: Not observed at significant frequency in large population cohorts (gnomAD); In silico analysis supports that this missense variant has a deleterious effect on protein structure/function; Has not been previously published as pathogenic or benign to our knowledge

NM_007192.4(SUPT16H):c.1871T>A (p.Ile624Asn)

Gene: SUPT16H (SPT16 homolog, facilitates chromatin remodeling subunit; minus strand). Cytogenetic location: 14q11.2.
Variant type: single nucleotide variant.
Coding change: c.1871T>A on transcript NM_007192.4 (MANE Select); coding-DNA position 1871, T replaced by A.
Protein change: p.Ile624Asn; replaces isoleucine 624 with asparagine.
Molecular consequence: missense variant.
Genome position (GRCh38, 1-based): chr14:21,361,136, A>T on the plus strand (T>A on the coding strand, the complement: SUPT16H is on the minus strand). VCF-style: chr14-21361136-A-T. GRCh37 (hg19) VCF-style: chr14-21829295-A-T.
Other names: short protein forms I624N.
Identifiers: ClinVar variation 2502076 (VCV002502076.1), dbSNP rs2503027023, ClinGen allele CA388863982.